The following is an entry in ClinVar:

NM_001164508.2(NEB):c.24957_24958del (p.Asn8320fs)

Genes: NEB (nebulin; minus strand), RIF1 (replication timing regulatory factor 1; plus strand). Cytogenetic location: 2q23.3.
Variant type: Deletion.
Coding change: c.24957_24958del on transcript NM_001164508.2 (MANE Select); coding-DNA positions 24957 to 24958, 2 bases deleted (GA; older notation c.24957_24958delGA).
Protein change: p.Asn8320fs; shifts the reading frame from asparagine 8320.
Molecular consequence: frameshift variant.
Genome position (GRCh38, 1-based): chr2:151,492,197-151,492,198, TC deleted on the plus strand (GA on the coding strand, the reverse complement: NEB is on the minus strand); deleting any 2 consecutive bases within chr2:151,492,197-151,492,199 gives the same sequence; the c. name uses the placement nearest the transcript's 3' end. VCF-style (leftmost placement, unchanged base first): chr2-151492196-TTC-T. GRCh37 (hg19) VCF-style: chr2-152348710-TTC-T.
Other names: c.24957_24958del, p.Asn8320fs (NM_001164507.2); c.25062_25063del, p.Asn8355fs (NM_001271208.2); c.19389_19390del, p.Asn6464fs (NM_004543.5); short protein forms N6464fs, N8320fs, N8355fs.
Identifiers: ClinVar variation 1726324 (VCV001726324.2), dbSNP rs2551707232, ClinGen allele CA2580063950.
Genomic context (GRCh38, chr2:151,492,196, plus strand): 5'-TCCATTTCTACCACTTTCCTCTGAATACCTCGGTAGTTAATGTCACTGAAGTCCTGCATG[TTC>T]TTCTTTACTCGTTCAGTGATAGGATCTGTCACCACTGGTGTGAAGCAACCCTTGTGTTTC-3'

ClinVar aggregate classification (germline): Likely pathogenic (1 of 4 stars; one submission).

Conditions:
Nemaline myopathy 2 (NEM2). Also called: Nemaline myopathy 2, autosomal recessive. Identifiers: MedGen C1850569, MONDO:0009725, OMIM 256030.

Submission:

Myriad Genetics, Inc.
Classification: Likely pathogenic for Nemaline myopathy 2. Last evaluated: 2021-12-16. Review status: criteria provided, single submitter. Criteria: Myriad Women's Health Autosomal Recessive and X-Linked Classification Criteria (2021). Collection method: clinical testing. Allele origin: unknown.
Comment: NM_001271208.1(NEB):c.25062_25063delGA(N8355Hfs*6) is expected to be pathogenic in the context of NEB-related nemaline myopathy. This variant is predicted to lead to an abnormal or absent protein product due to the creation of a premature termination codon in NEB, a gene where loss-of-function variants are known to be pathogenic. Please note: this variant was assessed in the context of healthy population screening.